The following is an entry in ClinVar:

ClinVar aggregate classification (germline): Pathogenic/Likely pathogenic. Review status: criteria provided, multiple submitters, no conflicts (2 of 4 stars). 2 submissions from 2 submitters: Pathogenic (1); Likely pathogenic (1). Last evaluated 2025-03-11.

Conditions:
C2ORF71 & PCARE-related disorders.

Submissions (2):

Labcorp Genetics (formerly Invitae), Labcorp
Classification: Pathogenic. Last evaluated: 2025-03-11. Review status: criteria provided, single submitter. Criteria: Invitae Variant Classification Sherloc (09022015). Collection method: clinical testing. Allele origin: germline.
Comment: This sequence change creates a premature translational stop signal (p.Pro1051Thrfs*56) in the PCARE gene. It is expected to result in an absent or disrupted protein product. Loss-of-function variants in PCARE are known to be pathogenic (PMID: 20398886, 24339724, 26496393). This variant is present in population databases (rs750501256, gnomAD 0.008%). This premature translational stop signal has been observed in individual(s) with clinical features of retinitis pigmentosa (PMID: 28062395). ClinVar contains an entry for this variant (Variation ID: 1442573). For these reasons, this variant has been classified as Pathogenic.

Blueprint Genetics
Classification: Likely pathogenic for C2ORF71 & PCARE-related disorders. Last evaluated: 2022-06-28. Review status: criteria provided, single submitter. Criteria: ACMG Guidelines, 2015. Collection method: clinical testing. Allele origin: germline. Affected: yes. Observed: 5 variant alleles.

Literature cited by the submitters: PubMed 20398886 (cited by Labcorp Genetics (formerly Invitae), Labcorp); PubMed 24339724 (cited by Labcorp Genetics (formerly Invitae), Labcorp); PubMed 26496393 (cited by Labcorp Genetics (formerly Invitae), Labcorp); PubMed 28062395 (cited by Labcorp Genetics (formerly Invitae), Labcorp).

NM_001029883.3(PCARE):c.3149dup (p.Pro1051fs)

Gene: PCARE (photoreceptor cilium actin regulator; minus strand). Cytogenetic location: 2p23.2.
Variant type: Duplication.
Coding change: c.3149dup on transcript NM_001029883.3 (MANE Select); coding-DNA position 3149, one base duplicated (C; older notation c.3149dupC).
Protein change: p.Pro1051fs; shifts the reading frame from proline 1051.
Molecular consequence: frameshift variant.
Genome position (GRCh38, 1-based): chr2:29,071,113, G duplicated on the plus strand (C on the coding strand, the reverse complement: PCARE is on the minus strand); the first of 4 consecutive G bases (chr2:29,071,113-29,071,116); duplicating any one gives the same sequence. VCF-style (leftmost placement, unchanged base first): chr2-29071112-T-TG. GRCh37 (hg19) VCF-style: chr2-29293978-T-TG.
Other names: short protein forms P1051fs.
Identifiers: ClinVar variation 1442573 (VCV001442573.9), dbSNP rs750501256, ClinGen allele CA1592007.